The following is an entry in ClinVar:

ClinVar aggregate classification (germline): Uncertain significance. Review status: criteria provided, multiple submitters, no conflicts (2 of 4 stars). 2 submissions from 2 submitters: Uncertain significance (2). Last evaluated 2025-06-07.

Conditions:
Inborn genetic diseases. Identifiers: MedGen C0950123, MeSH D030342.

Allele frequency attached by ClinVar (database versions not stated): gnomAD 0.00002 and 0.00001; TOPMed 0.00002; ExAC 0.00003; 1000 Genomes Project 30x 0.00016; gnomAD exomes 0.00001 and 0.00002; 1000 Genomes Project 0.00020.
gnomAD v4.1: 20 of 1,614,178 alleles (0.0012%); highest among the groups gnomAD compares: African/African-American, 0.008%; no homozygotes.

Submissions (2):

Ambry Genetics
Classification: Uncertain significance for Inborn genetic diseases. Last evaluated: 2025-06-07. Review status: criteria provided, single submitter. Criteria: Ambry Variant Classification Scheme 2023. Collection method: clinical testing. Allele origin: germline.

GeneDx
Classification: Uncertain significance. Last evaluated: 2019-12-19. Review status: criteria provided, single submitter. Criteria: GeneDx Variant Classification Process June 2021. Collection method: clinical testing. Allele origin: germline. Affected: yes.
Comment: Not observed at a significant frequency in large population cohorts (Lek et al., 2016); In silico analysis, which includes protein predictors and evolutionary conservation, supports a deleterious effect; Has not been previously published as pathogenic or benign to our knowledge

NM_025265.4(TSEN2):c.404C>T (p.Pro135Leu)

Gene: TSEN2 (tRNA splicing endonuclease subunit 2; plus strand). Cytogenetic location: 3p25.2.
Variant type: single nucleotide variant.
Coding change: c.404C>T on transcript NM_025265.4 (MANE Select); coding-DNA position 404, C replaced by T.
Protein change: p.Pro135Leu; replaces proline 135 with leucine.
Molecular consequence: missense variant. On other transcripts: non-coding transcript variant (1).
Genome position (GRCh38, 1-based): chr3:12,503,357, C>T. VCF-style: chr3-12503357-C-T. GRCh37 (hg19) VCF-style: chr3-12544856-C-T.
Other names: c.404C>T, p.Pro135Leu (NM_001145392.2, NM_001145393.3, NM_001145394.2 and 3 more transcripts); short protein forms P135L.
Identifiers: ClinVar variation 1311253 (VCV001311253.3), dbSNP rs563130249, ClinGen allele CA2258507.